The following is an entry in ClinVar:

NM_001291303.3(FAT4):c.4038C>A (p.Asp1346Glu)

Gene: FAT4 (FAT atypical cadherin 4; plus strand). Cytogenetic location: 4q28.1.
Variant type: single nucleotide variant.
Coding change: c.4038C>A on transcript NM_001291303.3 (MANE Select); coding-DNA position 4038, C replaced by A.
Protein change: p.Asp1346Glu; replaces aspartic acid 1346 with glutamic acid.
Molecular consequence: missense variant.
Genome position (GRCh38, 1-based): chr4:125,320,449, C>A. VCF-style: chr4-125320449-C-A. GRCh37 (hg19) VCF-style: chr4-126241604-C-A.
Other names: c.4038C>A (NM_024582.4); c.4038C>A, p.Asp1346Glu (NM_001291285.3, NM_024582.6); short protein forms D1346E.
Identifiers: ClinVar variation 1441873 (VCV001441873.9), dbSNP rs1221303871, ClinGen allele CA358125461.
Genomic context (GRCh38, chr4:125,320,449, plus strand): 5'-AAACATGAGAATTGGTGAACTCGTGTCCTCTGTTACTGCAACTGATTCCGATTCAGGTGA[C>A]AATGCTGATTTATATTACAGTATTACTGGGACTAACAACCACGGAACTTTTAGCATTAGC-3'
Protein context (NP_001278232.1, residues 1336-1356): SVTATDSDSG[Asp1346Glu]NADLYYSITG

ClinVar aggregate classification (germline): Uncertain significance. Review status: criteria provided, multiple submitters, no conflicts (2 of 4 stars). 2 submissions from 2 submitters: Uncertain significance (2). Last evaluated 2026-02-17.

Allele frequency attached by ClinVar (database versions not stated): gnomAD exomes 0.00001 and below 0.00001.
gnomAD v4.1: 21 of 1,613,928 alleles (0.0013%); highest among the groups gnomAD compares: Non-Finnish European, 0.0018%; no homozygotes.

Submissions (2):

GeneDx
Classification: Uncertain significance. Last evaluated: 2026-02-17. Review status: criteria provided, single submitter. Criteria: GeneDx Variant Classification Process June 2021. Collection method: clinical testing. Allele origin: germline.
Comment: Not observed at significant frequency in large population cohorts (gnomAD); In silico analysis supports that this missense variant does not alter protein structure/function; Has not been previously published as pathogenic or benign to our knowledge

Labcorp Genetics (formerly Invitae), Labcorp
Classification: Uncertain significance. Last evaluated: 2021-03-22. Review status: criteria provided, single submitter. Criteria: Invitae Variant Classification Sherloc (09022015). Collection method: clinical testing. Allele origin: germline.
Comment: In summary, the available evidence is currently insufficient to determine the role of this variant in disease. Therefore, it has been classified as a Variant of Uncertain Significance. Advanced modeling of protein sequence and biophysical properties (such as structural, functional, and spatial information, amino acid conservation, physicochemical variation, residue mobility, and thermodynamic stability) performed at Invitae indicates that this missense variant is not expected to disrupt FAT4 protein function. This variant has not been reported in the literature in individuals with FAT4-related conditions. This variant is not present in population databases (ExAC no frequency). This sequence change replaces aspartic acid with glutamic acid at codon 1346 of the FAT4 protein (p.Asp1346Glu). The aspartic acid residue is highly conserved and there is a small physicochemical difference between aspartic acid and glutamic acid.